The following is an entry in ClinVar:

NM_004415.4(DSP):c.6243T>C (p.Asp2081=)

Gene: DSP (desmoplakin; plus strand). Cytogenetic location: 6p24.3.
Variant type: single nucleotide variant.
Coding change: c.6243T>C on transcript NM_004415.4 (MANE Select); coding-DNA position 6243, T replaced by C.
Protein change: p.Asp2081=; no amino-acid change (aspartic acid 2081 retained).
Molecular consequence: synonymous variant.
Genome position (GRCh38, 1-based): chr6:7,583,505, T>C. VCF-style: chr6-7583505-T-C. GRCh37 (hg19) VCF-style: chr6-7583738-T-C.
Other names: c.4446T>C, p.Asp1482= (NM_001008844.3); c.4914T>C, p.Asp1638= (NM_001319034.2).
Identifiers: ClinVar variation 1088128 (VCV001088128.10), dbSNP rs1759521514, ClinGen allele CA448716022.
Genomic context (GRCh38, chr6:7,583,505, plus strand): 5'-CCATCGGAATGAGAAGCTGACTGTCGACAGTGCCATAGCTCGGGACCTCATTGACTTCGA[T>C]GACCGTCAGCAGATATATGCAGCAGAAAAAGCTATCACTGGTTTTGATGATCCATTTTCA-3'
Protein context (NP_004406.2, residues 2071-2091): SAIARDLIDF[Asp2081=]DRQQIYAAEK

ClinVar aggregate classification (germline): Likely benign. Review status: criteria provided, multiple submitters, no conflicts (2 of 4 stars). 2 submissions from 2 submitters: Likely benign (2). Last evaluated 2024-08-13.

Conditions:
Arrhythmogenic right ventricular dysplasia 8 (ARVD8). Also called: ARRHYTHMOGENIC RIGHT VENTRICULAR DYSPLASIA, FAMILIAL, 8; ARRHYTHMOGENIC RIGHT VENTRICULAR CARDIOMYOPATHY 8; Arrhythmogenic Right Ventricular Dysplasia/Cardiomyopathy 8. Identifiers: MedGen C1843896, MONDO:0011831, OMIM 607450.
Arrhythmogenic cardiomyopathy with wooly hair and keratoderma. Also called: Arrhythmogenic cardiomyopathy with woolly hair and keratoderma; Dilated cardiomyopathy with woolly hair and keratoderma; PALMOPLANTAR KERATODERMA WITH LEFT VENTRICULAR CARDIOMYOPATHY AND WOOLLY HAIR; Carvajal syndrome. Identifiers: Orphanet 65282, MedGen C1854063, MONDO:0011581, OMIM 605676.

Submissions (2):

All of Us Research Program, National Institutes of Health
Classification: Likely benign for Arrhythmogenic cardiomyopathy with wooly hair and keratoderma. Last evaluated: 2024-08-13. Review status: criteria provided, single submitter. Criteria: ACMG Guidelines, 2015. Collection method: clinical testing. Allele origin: germline. Inheritance: Autosomal dominant inheritance. Observed: 1 variant allele, 1 heterozygote.
Comment: This study involves interpretation of variants in research participants for the purpose of population health screening. Participant phenotype was not available at the time of variant classification. Additional details can be found in publication PMID: 35346344, PMCID: PMC8962531

Labcorp Genetics (formerly Invitae), Labcorp
Classification: Likely benign for Arrhythmogenic cardiomyopathy with wooly hair and keratoderma; Arrhythmogenic right ventricular dysplasia 8. Last evaluated: 2019-08-17. Review status: criteria provided, single submitter. Criteria: Invitae Variant Classification Sherloc (09022015). Collection method: clinical testing. Allele origin: germline.